The following is an entry in ClinVar:

NM_030777.4(SLC2A10):c.1588A>G (p.Ile530Val)

Gene: SLC2A10 (solute carrier family 2 member 10; plus strand). Cytogenetic location: 20q13.12.
Variant type: single nucleotide variant.
Coding change: c.1588A>G on transcript NM_030777.4 (MANE Select); coding-DNA position 1588, A replaced by G.
Protein change: p.Ile530Val; replaces isoleucine 530 with valine.
Molecular consequence: missense variant.
Genome position (GRCh38, 1-based): chr20:46,733,796, A>G. VCF-style: chr20-46733796-A-G. GRCh37 (hg19) VCF-style: chr20-45362435-A-G.
Other names: short protein forms I530V.
Identifiers: ClinVar variation 2183529 (VCV002183529.4), dbSNP rs2515604963, ClinGen allele CA409274749.

ClinVar aggregate classification (germline): Uncertain significance (1 of 4 stars; one submission).

Conditions:
Arterial tortuosity syndrome (ATORS). Identifiers: Orphanet 3342, MedGen C1859726, MONDO:0008818, OMIM 208050.

Submission:

Labcorp Genetics (formerly Invitae), Labcorp
Classification: Uncertain significance for Arterial tortuosity syndrome. Last evaluated: 2022-02-18. Review status: criteria provided, single submitter. Criteria: Invitae Variant Classification Sherloc (09022015). Collection method: clinical testing. Allele origin: germline.
Comment: In summary, the available evidence is currently insufficient to determine the role of this variant in disease. Therefore, it has been classified as a Variant of Uncertain Significance. Advanced modeling of protein sequence and biophysical properties (such as structural, functional, and spatial information, amino acid conservation, physicochemical variation, residue mobility, and thermodynamic stability) performed at Invitae indicates that this missense variant is not expected to disrupt SLC2A10 protein function. This variant has not been reported in the literature in individuals affected with SLC2A10-related conditions. This variant is not present in population databases (gnomAD no frequency). This sequence change replaces isoleucine, which is neutral and non-polar, with valine, which is neutral and non-polar, at codon 530 of the SLC2A10 protein (p.Ile530Val).